The following is an entry in ClinVar:

NM_001371986.1(UNC80):c.5578T>C (p.Ser1860Pro)

Gene: UNC80 (unc-80 subunit of NALCN channel complex; plus strand). Cytogenetic location: 2q34.
Variant type: single nucleotide variant.
Coding change: c.5578T>C on transcript NM_001371986.1 (MANE Select); coding-DNA position 5578, T replaced by C.
Protein change: p.Ser1860Pro; replaces serine 1860 with proline.
Molecular consequence: missense variant.
Genome position (GRCh38, 1-based): chr2:209,922,299, T>C. VCF-style: chr2-209922299-T-C. GRCh37 (hg19) VCF-style: chr2-210787023-T-C.
Other names: c.5380T>C, p.Ser1794Pro (NM_032504.2); c.5365T>C, p.Ser1789Pro (NM_182587.4); short protein forms S1794P, S1789P, S1860P.
Identifiers: ClinVar variation 2150623 (VCV002150623.4), dbSNP rs2090098205, ClinGen allele CA350762572.

ClinVar aggregate classification (germline): Uncertain significance (1 of 4 stars; one submission).

Allele frequency attached by ClinVar (database versions not stated): gnomAD exomes 0.00001.
gnomAD v4.1: 7 of 1,552,200 alleles (0.00045%); highest among the groups gnomAD compares: Non-Finnish European, 0.00061%; no homozygotes.

Submission:

Labcorp Genetics (formerly Invitae), Labcorp
Classification: Uncertain significance. Last evaluated: 2022-06-22. Review status: criteria provided, single submitter. Criteria: Invitae Variant Classification Sherloc (09022015). Collection method: clinical testing. Allele origin: germline.
Comment: In summary, the available evidence is currently insufficient to determine the role of this variant in disease. Therefore, it has been classified as a Variant of Uncertain Significance. This variant has not been reported in the literature in individuals affected with UNC80-related conditions. Algorithms developed to predict the effect of missense changes on protein structure and function are either unavailable or do not agree on the potential impact of this missense change (SIFT: "Not Available"; PolyPhen-2: "Probably Damaging"; Align-GVGD: "Not Available"). This sequence change replaces serine, which is neutral and polar, with proline, which is neutral and non-polar, at codon 1794 of the UNC80 protein (p.Ser1794Pro). This variant is not present in population databases (gnomAD no frequency).